The following is an entry in ClinVar:

ClinVar aggregate classification (germline): Uncertain significance. Review status: criteria provided, multiple submitters, no conflicts (2 of 4 stars). 2 submissions from 2 submitters: Uncertain significance (2). Last evaluated 2024-07-08.

Conditions:
Keratoconus 1 (KTCN1). Identifiers: MedGen C1835677, MONDO:0007851, OMIM 148300.
Craniofacial anomalies and anterior segment dysgenesis syndrome (CAASDS). Identifiers: MedGen C3280099, MONDO:0013618, OMIM 614195.

Submissions (2):

Labcorp Genetics (formerly Invitae), Labcorp
Classification: Uncertain significance. Last evaluated: 2024-07-08. Review status: criteria provided, single submitter. Criteria: Invitae Variant Classification Sherloc (09022015). Collection method: clinical testing. Allele origin: germline.
Comment: This sequence change creates a premature translational stop signal (p.Gly347*) in the VSX1 gene. While this is not anticipated to result in nonsense mediated decay, it is expected to disrupt the last 19 amino acid(s) of the VSX1 protein. This variant is present in population databases (rs779483996, gnomAD 0.01%). This variant has not been reported in the literature in individuals affected with VSX1-related conditions. In summary, the available evidence is currently insufficient to determine the role of this variant in disease. Therefore, it has been classified as a Variant of Uncertain Significance.

Department of Pathology and Laboratory Medicine, Sinai Health System
Classification: Uncertain significance for Keratoconus 1; Craniofacial anomalies and anterior segment dysgenesis syndrome. Last evaluated: 2022-06-07. Review status: criteria provided, single submitter. Criteria: ACMG Guidelines, 2015. Collection method: research. Allele origin: germline.

NM_014588.6(VSX1):c.1039G>T (p.Gly347Ter)

Gene: VSX1 (visual system homeobox 1; minus strand). Cytogenetic location: 20p11.21.
Variant type: single nucleotide variant.
Coding change: c.1039G>T on transcript NM_014588.6 (MANE Select); coding-DNA position 1039, G replaced by T.
Protein change: p.Gly347Ter; replaces glycine 347 with a stop codon.
Molecular consequence: nonsense. On other transcripts: non-coding transcript variant (2), intron variant (2).
Genome position (GRCh38, 1-based): chr20:25,076,320, C>A on the plus strand (G>T on the coding strand, the complement: VSX1 is on the minus strand). VCF-style: chr20-25076320-C-A. GRCh37 (hg19) VCF-style: chr20-25056956-C-A.
Other names: c.346G>T, p.Gly116Ter (NM_001378633.1); c.627+2509G>T (NM_001256271.2); c.808+1365G>T (NM_001256272.2); short protein forms G116*, G347*.
Identifiers: ClinVar variation 3707468 (VCV003707468.2).